The following is an entry in ClinVar:

ClinVar aggregate classification (germline): Uncertain significance. Review status: criteria provided, multiple submitters, no conflicts (2 of 4 stars). 2 submissions from 2 submitters: Uncertain significance (2). Last evaluated 2025-10-10.

Conditions:
Inborn genetic diseases. Identifiers: MedGen C0950123, MeSH D030342.

Allele frequency attached by ClinVar (database versions not stated): gnomAD 0.00005; ExAC 0.00002; ESP Exome Variant Server 0.00008.
gnomAD v4.1: 61 of 1,613,468 alleles (0.0038%); highest among the groups gnomAD compares: Non-Finnish European, 0.005%; no homozygotes.

Submissions (2):

Labcorp Genetics (formerly Invitae), Labcorp
Classification: Uncertain significance. Last evaluated: 2025-10-10. Review status: criteria provided, single submitter. Criteria: Invitae Variant Classification Sherloc (09022015). Collection method: clinical testing. Allele origin: germline.
Comment: This sequence change replaces cysteine, which is neutral and slightly polar, with serine, which is neutral and polar, at codon 32 of the SNX14 protein (p.Cys32Ser). This variant is present in population databases (rs368530600, gnomAD 0.007%). This variant has not been reported in the literature in individuals affected with SNX14-related conditions. ClinVar contains an entry for this variant (Variation ID: 2569263). Invitae Evidence Modeling of protein sequence and biophysical properties (such as structural, functional, and spatial information, amino acid conservation, physicochemical variation, residue mobility, and thermodynamic stability) indicates that this missense variant is not expected to disrupt SNX14 protein function with a negative predictive value of 80%. In summary, the available evidence is currently insufficient to determine the role of this variant in disease. Therefore, it has been classified as a Variant of Uncertain Significance.

Ambry Genetics
Classification: Uncertain significance for Inborn genetic diseases. Last evaluated: 2023-05-05. Review status: criteria provided, single submitter. Criteria: Ambry Variant Classification Scheme 2023. Collection method: clinical testing. Allele origin: germline.

NM_153816.6(SNX14):c.94T>A (p.Cys32Ser)

Gene: SNX14 (sorting nexin 14; minus strand). Cytogenetic location: 6q14.3.
Variant type: single nucleotide variant.
Coding change: c.94T>A on transcript NM_153816.6 (MANE Select); coding-DNA position 94, T replaced by A.
Protein change: p.Cys32Ser; replaces cysteine 32 with serine.
Molecular consequence: missense variant. On other transcripts: 5 prime UTR variant (5), non-coding transcript variant (4), intron variant (9).
Genome position (GRCh38, 1-based): chr6:85,593,625, A>T on the plus strand (T>A on the coding strand, the complement: SNX14 is on the minus strand). VCF-style: chr6-85593625-A-T. GRCh37 (hg19) VCF-style: chr6-86303343-A-T.
Other names: c.94T>A, p.Cys32Ser (NM_001297614.3, NM_001350532.2, NM_001350533.2 and 8 more transcripts); c.-307T>A (NM_001350545.2); c.-926T>A (NM_001350548.2); c.-1058T>A (NM_001350550.2); c.-973T>A (NM_001350551.2); c.-1090T>A (NM_001350552.2); c.-17+209T>A (NM_001350543.2, NM_001350539.2, NM_001350542.2 and 2 more transcripts); c.-261+209T>A (NM_001350546.2); and 2 more; short protein forms C32S.
Identifiers: ClinVar variation 2569263 (VCV002569263.4), dbSNP rs368530600, ClinGen allele CA3912563.
Genomic context (GRCh38, chr6:85,593,625, plus strand): 5'-CGCTGCGGCGTTACCTGTTAAGAAGCAGGGAGGCGGCGCTGAGACAGAGCAGCAGGAAGC[A>T]GAACAGCGGGTACTGGCGGCAGATCTCGCGTCCCACGTCCAGTCGCAGCCGCTGCTTCAG-3'
Protein context (NP_722523.1, residues 22-42): REICRQYPLF[Cys32Ser]FLLLCLSAAS